The following is an entry in ClinVar:

ClinVar aggregate classification (germline): Uncertain significance. Review status: criteria provided, multiple submitters, no conflicts (2 of 4 stars). 2 submissions from 2 submitters: Uncertain significance (2). Last evaluated 2024-10-22.

Conditions:
Inborn genetic diseases. Identifiers: MedGen C0950123, MeSH D030342.

gnomAD v4.1: 44 of 1,613,904 alleles (0.0027%); highest among the groups gnomAD compares: Non-Finnish European, 0.0036%; no homozygotes.

Submissions (2):

Labcorp Genetics (formerly Invitae), Labcorp
Classification: Uncertain significance. Last evaluated: 2024-10-22. Review status: criteria provided, single submitter. Criteria: Invitae Variant Classification Sherloc (09022015). Collection method: clinical testing. Allele origin: germline.
Comment: This sequence change replaces glycine, which is neutral and non-polar, with arginine, which is basic and polar, at codon 1388 of the TENM3 protein (p.Gly1388Arg). This variant is present in population databases (rs773707436, gnomAD 0.003%). This variant has not been reported in the literature in individuals affected with TENM3-related conditions. Invitae Evidence Modeling of protein sequence and biophysical properties (such as structural, functional, and spatial information, amino acid conservation, physicochemical variation, residue mobility, and thermodynamic stability) indicates that this missense variant is expected to disrupt TENM3 protein function with a positive predictive value of 80%. In summary, the available evidence is currently insufficient to determine the role of this variant in disease. Therefore, it has been classified as a Variant of Uncertain Significance.

Ambry Genetics
Classification: Uncertain significance for Inborn genetic diseases. Last evaluated: 2024-06-25. Review status: criteria provided, single submitter. Criteria: Ambry Variant Classification Scheme 2023. Collection method: clinical testing. Allele origin: germline.

NM_001080477.4(TENM3):c.4162G>A (p.Gly1388Arg)

Gene: TENM3 (teneurin transmembrane protein 3; plus strand). Cytogenetic location: 4q35.1.
Variant type: single nucleotide variant.
Coding change: c.4162G>A on transcript NM_001080477.4 (MANE Select); coding-DNA position 4162, G replaced by A.
Protein change: p.Gly1388Arg; replaces glycine 1388 with arginine.
Molecular consequence: missense variant.
Genome position (GRCh38, 1-based): chr4:182,754,529, G>A. VCF-style: chr4-182754529-G-A. GRCh37 (hg19) VCF-style: chr4-183675682-G-A.
Other names: c.3394G>A, p.Gly1132Arg (NM_001415960.1); c.3367G>A, p.Gly1123Arg (NM_001415961.1); c.3364G>A, p.Gly1122Arg (NM_001415962.1); c.3346G>A, p.Gly1116Arg (NM_001415963.1); c.3343G>A, p.Gly1115Arg (NM_001415964.1); c.3880G>A, p.Gly1294Arg (NM_001415966.1); c.3904G>A, p.Gly1302Arg (NM_001415967.1); c.4180G>A, p.Gly1394Arg (NM_001415968.1); and 4 more; short protein forms G1116R, G1123R, G1302R, G1395R, G1294R, G1295R, G1388R, G1394R.
Identifiers: ClinVar variation 3454883 (VCV003454883.3).